The following is an entry in ClinVar:

NM_000245.4(MET):c.559T>G (p.Ser187Ala)

Gene: MET (MET proto-oncogene, receptor tyrosine kinase; plus strand). Cytogenetic location: 7q31.2.
Variant type: single nucleotide variant.
Coding change: c.559T>G on transcript NM_000245.4 (MANE Select); coding-DNA position 559, T replaced by G.
Protein change: p.Ser187Ala; replaces serine 187 with alanine.
Molecular consequence: missense variant. On other transcripts: intron variant (1).
Genome position (GRCh38, 1-based): chr7:116,699,643, T>G. VCF-style: chr7-116699643-T-G. GRCh37 (hg19) VCF-style: chr7-116339697-T-G.
Other names: c.559T>G, p.Ser187Ala (NM_001127500.3, NM_001324401.3); c.-91+27066T>G (NM_001324402.2); short protein forms S187A.
Identifiers: ClinVar variation 1748540 (VCV001748540.3), dbSNP rs1791489630, ClinGen allele CA368969344.

ClinVar aggregate classification (germline): Uncertain significance (1 of 4 stars; one submission).

Conditions:
Hereditary cancer-predisposing syndrome. Also called: Neoplastic Syndromes, Hereditary; Tumor predisposition; Hereditary Cancer Syndrome; Hereditary neoplastic syndrome. Identifiers: Orphanet 140162, MedGen C0027672, MeSH D009386, MONDO:0015356.

Submission:

Ambry Genetics
Classification: Uncertain significance for Hereditary cancer-predisposing syndrome. Last evaluated: 2026-06-03. Review status: criteria provided, single submitter. Criteria: Ambry Variant Classification Scheme 2023. Collection method: clinical testing. Allele origin: germline.
Comment: The p.S187A variant (also known as c.559T>G), located in coding exon 1 of the MET gene, results from a T to G substitution at nucleotide position 559. The serine at codon 187 is replaced by alanine, an amino acid with similar properties. This amino acid position is conserved. In addition, this alteration is predicted to be tolerated by in silico analysis. Since supporting evidence is limited at this time, the clinical significance of this alteration remains unclear.